The following is an entry in ClinVar:

NM_000492.4(CFTR):c.266A>G (p.Tyr89Cys)

Gene: CFTR (CF transmembrane conductance regulator; plus strand). Cytogenetic location: 7q31.2.
Variant type: single nucleotide variant.
Coding change: c.266A>G on transcript NM_000492.4 (MANE Select); coding-DNA position 266, A replaced by G.
Protein change: p.Tyr89Cys; replaces tyrosine 89 with cysteine.
Molecular consequence: missense variant.
Genome position (GRCh38, 1-based): chr7:117,509,135, A>G. VCF-style: chr7-117509135-A-G. GRCh37 (hg19) VCF-style: chr7-117149189-A-G.
Other names: short protein forms Y89C.
Identifiers: ClinVar variation 53541 (VCV000053541.54), dbSNP rs397508418, ClinGen allele CA326884.
Genomic context (GRCh38, chr7:117,509,135, plus strand): 5'-TCATTAATGCCCTTCGGCGATGTTTTTTCTGGAGATTTATGTTCTATGGAATCTTTTTAT[A>G]TTTAGGGGTAAGGATCTCATTTGTACATTCATTATGTATCACATAACTATATTCATTTTT-3'
Protein context (NP_000483.3, residues 79-99): WRFMFYGIFL[Tyr89Cys]LGEVTKAVQP

ClinVar aggregate classification (germline): Uncertain significance. Review status: criteria provided, multiple submitters, no conflicts (2 of 4 stars). 8 submissions from 8 submitters: Uncertain significance (6). 2 of the submissions do not count toward it. Last evaluated 2025-12-14.

Conditions:
CFTR-related disorder (CFTR-RD). Also called: CFTR-related disorders; CFTR-related condition. Identifiers: MedGen C5924204, MONDO:7770004.
Cystic fibrosis (CF). Also called: MUCOVISCIDOSIS. Identifiers: Orphanet 586, MedGen C0010674, MONDO:0009061, OMIM 219700. Disease mechanism: loss of function.

Allele frequency attached by ClinVar (database versions not stated): ExAC 0.00001; gnomAD 0.00001; gnomAD exomes 0.00001 and 0.00002; TOPMed 0.00001.
gnomAD v4.1: 22 of 1,534,370 alleles (0.0014%); highest among the groups gnomAD compares: African/African-American, 0.0027%; no homozygotes.

Submissions (8):

Women's Health and Genetics/Laboratory Corporation of America, LabCorp
Classification: Uncertain significance. Last evaluated: 2025-12-14. Review status: criteria provided, single submitter. Criteria: LabCorp Variant Classification Summary - May 2015. Collection method: clinical testing. Allele origin: germline.
Comment: Variant summary: CFTR c.266A>G (p.Tyr89Cys) results in a non-conservative amino acid change located in the ABC transporter type 1, transmembrane domain (IPR011527) of the encoded protein sequence. Algorithms developed to predict the effect of missense changes on protein structure and function all suggest that this variant is likely to be disruptive. The variant allele was found at a frequency of 8e-06 in 250722 control chromosomes (gnomAD). The available data on variant occurrences in the general population are insufficient to allow any conclusion about variant significance. c.266A>G has been observed as a non-informative genotype (second allele not specified) among individuals with non-classic features of Cystic Fibrosis and in at-least one newborn with features of Cystic Fibrosis (Giusti_2007, Padoan_2000, Straniero_2016). These data do not allow any conclusion about variant significance. At least one publication reports experimental evidence evaluating an impact on protein function. The most pronounced variant effect resulted in approximately 59% of normal chloride channel conductance relative to wild type (e.g., Bihler_2024). The following publications have been ascertained in the context of this evaluation (PMID: 38388235, 18306312, 17272608, 26098992, 10790225, 27488443). ClinVar contains an entry for this variant (Variation ID: 53541). Based on the evidence outlined above, the variant was classified as uncertain significance.

Labcorp Genetics (formerly Invitae), Labcorp
Classification: Uncertain significance for Cystic fibrosis. Last evaluated: 2024-11-24. Review status: criteria provided, single submitter. Criteria: Invitae Variant Classification Sherloc (09022015). Collection method: clinical testing. Allele origin: germline.
Comment: This sequence change replaces tyrosine, which is neutral and polar, with cysteine, which is neutral and slightly polar, at codon 89 of the CFTR protein (p.Tyr89Cys). This variant is present in population databases (rs397508418, gnomAD 0.003%). This missense change has been observed in individual(s) with clinical features of CFTR-related conditions (PMID: 10790225, 17272608, 26098992, 27488443). ClinVar contains an entry for this variant (Variation ID: 53541). Invitae Evidence Modeling of protein sequence and biophysical properties (such as structural, functional, and spatial information, amino acid conservation, physicochemical variation, residue mobility, and thermodynamic stability) indicates that this missense variant is expected to disrupt CFTR protein function with a positive predictive value of 80%. In summary, the available evidence is currently insufficient to determine the role of this variant in disease. Therefore, it has been classified as a Variant of Uncertain Significance.

ARUP Laboratories, Molecular Genetics and Genomics, ARUP Laboratories
Classification: Uncertain significance. Last evaluated: 2024-02-27. Review status: criteria provided, single submitter. Criteria: ARUP Molecular Germline Variant Investigation Process 2024. Collection method: clinical testing. Allele origin: germline.
Comment: The CFTR c.266A>G; p.Tyr89Cys variant (rs397508418) is reported in the literature in the heterozygous state without a second CFTR variant identified in individuals affected with cystic fibrosis or CFTR-related disorders (Giusti 2007, Padoan 2000). This variant is also reported in ClinVar (Variation ID: 53541). It is only found on two alleles in the Genome Aggregation Database (v2.1.1), indicating it is not a common polymorphism. Computational analyses predict that this variant is deleterious (REVEL: 0.905). Functional analyses of the variant protein show normal maturation and trafficking, but some alterations to channel gating (Gene 2008). Due to limited information, the clinical significance of the p.Tyr89Cys variant is uncertain at this time. References: Gene GG et al. N-terminal CFTR missense variants severely affect the behavior of the CFTR chloride channel. Hum Mutat. 2008 May;29(5):738-49. Giusti R et al. New York State cystic fibrosis consortium: the first 2.5 years of experience with cystic fibrosis newborn screening in an ethnically diverse population. Pediatrics. 2007 Feb;119(2):e460-7. Padoan R et al. A novel missense mutation (Y89C) in exon 3 of the CFTR (ABCC7) gene in a young male. Hum Mutat. 2000 May;15(5):486.

Ambry Genetics
Classification: Uncertain significance for Cystic fibrosis. Last evaluated: 2024-02-14. Review status: criteria provided, single submitter. Criteria: Ambry Variant Classification Scheme 2023. Collection method: clinical testing. Allele origin: germline.
Comment: The p.Y89C variant (also known as c.266A>G), located in coding exon 3 of the CFTR gene, results from an A to G substitution at nucleotide position 266. The tyrosine at codon 89 is replaced by cysteine, an amino acid with highly dissimilar properties. Functional studies show that Y89C alteration had a glycosylation pattern and a subcellular distribution comparable to wild-type CFTR, but may still impact channel gating; however, the clinical significance of these findings is unclear (Gen&eacute; GG et al. Hum Mutat, 2008 May;29:738-49). This amino acid position is highly conserved in available vertebrate species. In addition, this alteration is predicted to be deleterious by in silico analysis. Based on the available evidence, the clinical significance of this alteration remains unclear.

Johns Hopkins Genomics, Johns Hopkins University
Classification: Uncertain significance for Cystic fibrosis. Last evaluated: 2023-07-14. Review status: criteria provided, single submitter. Criteria: ACMG Guidelines, 2015. Collection method: clinical testing. Allele origin: germline.
Comment: This CFTR missense variant (rs397508418) is rare (<0.1%) in a large population dataset (gnomADv2.1.1: 2/250722 total alleles; 0.0008%; no homozygotes) and has been reported in ClinVar (Variation ID:53541). It has not been reported in the literature in individuals with features of cystic fibrosis who have a second CF-causing variant, to our knowledge. Two bioinformatic tools queried predict that this substitution would be damaging and a single functional study suggests that this variant may impact CFTR gating. The tyrosine residue at this position is evolutionarily conserved across all species assessed except one. We consider the clinical significance of CFTR c.266A>G to be uncertain at this time.

CeGaT Center for Human Genetics Tuebingen
Classification: Uncertain significance. Last evaluated: 2023-02-01. Review status: criteria provided, single submitter. Criteria: CeGaT Center For Human Genetics Tuebingen Variant Classification Criteria Version 2. Collection method: clinical testing. Allele origin: germline. Affected: yes. Observed: 1 variant allele.
Comment: CFTR: PM2, PP3

Natera, Inc.
Classification: Uncertain significance for CFTR-related disorders. Last evaluated: 2018-07-02. Review status: no assertion criteria provided. Collection method: clinical testing. Allele origin: germline. Not counted in ClinVar's aggregate classification.

ClinVar Staff, National Center for Biotechnology Information (NCBI)
No classification provided. Condition: CFTR-related disorders. Review status: no classification provided. Collection method: literature only. Allele origin: germline. Affected: yes. Not counted in ClinVar's aggregate classification.

Literature cited by the submitters: PubMed 18306312 (cited by 3 submitters); PubMed 17272608 (cited by 3 submitters); PubMed 26098992 (cited by Women's Health and Genetics/Laboratory Corporation of America, LabCorp and Labcorp Genetics (formerly Invitae), Labcorp); PubMed 27488443 (cited by Women's Health and Genetics/Laboratory Corporation of America, LabCorp and Labcorp Genetics (formerly Invitae), Labcorp); PubMed 10790225 (cited by 4 submitters); PubMed 38388235 (cited by Women's Health and Genetics/Laboratory Corporation of America, LabCorp).